The following is an entry in ClinVar:

NM_000218.3(KCNQ1):c.1514+36239G>T

Genes: KCNQ1 (potassium voltage-gated channel subfamily Q member 1; plus strand), KCNQ1OT1 (KCNQ1 opposite strand/antisense transcript 1; minus strand). Cytogenetic location: 11p15.5.
Variant type: single nucleotide variant.
Coding change: c.1514+36239G>T on transcript NM_000218.3 (MANE Select); 36239 bases into the intron after coding-DNA position 1514, G replaced by T.
Molecular consequence: intron variant.
Genome position (GRCh38, 1-based): chr11:2,698,320, G>T. VCF-style: chr11-2698320-G-T. GRCh37 (hg19) VCF-style: chr11-2719550-G-T.
Other names: c.1244+36239G>T (NM_001406837.1); c.1418+36239G>T (NM_001406836.1); c.974+36239G>T (NM_001406838.1); c.1133+36239G>T (NM_181798.2).
Identifiers: ClinVar variation 2570792 (VCV002570792.27), dbSNP rs144550367, ClinGen allele CA216197528.

ClinVar aggregate classification (germline): Benign (1 of 4 stars; one submission).

Allele frequency attached by ClinVar (database versions not stated): 1000 Genomes Project 30x 0.00203; 1000 Genomes Project 0.00220; gnomAD exomes 0.00244; gnomAD 0.00253; TOPMed 0.00405.
gnomAD v4.1: 1,093 of 398,568 alleles (0.27%); highest among the groups gnomAD compares: Admixed American, 0.72%; 8 homozygotes.

Submission:

CeGaT Center for Human Genetics Tuebingen
Classification: Benign. Last evaluated: 2026-09-01. Review status: criteria provided, single submitter. Criteria: CeGaT Center For Human Genetics Tuebingen Variant Classification Criteria Version 2. Collection method: clinical testing. Allele origin: germline. Affected: yes. Observed: 39 variant alleles.
Comment: KCNQ1OT1: BS1, BS2